The following is an entry in ClinVar:

NM_001377.3(DYNC2H1):c.1963del (p.Ala655fs)

Gene: DYNC2H1 (dynein cytoplasmic 2 heavy chain 1; plus strand). Cytogenetic location: 11q22.3.
Variant type: Deletion.
Coding change: c.1963del on transcript NM_001377.3 (MANE Select); coding-DNA position 1963, one base deleted (G; older notation c.1963delG).
Protein change: p.Ala655fs; shifts the reading frame from alanine 655.
Molecular consequence: frameshift variant.
Genome position (GRCh38, 1-based): chr11:103,133,564, G deleted. VCF-style (leftmost placement, unchanged base first): chr11-103133563-AG-A. GRCh37 (hg19) VCF-style: chr11-103004292-AG-A.
Other names: c.1963del, p.Ala655fs (NM_001080463.2); short protein forms A655fs.
Identifiers: ClinVar variation 3678303 (VCV003678303.2).

ClinVar aggregate classification (germline): Pathogenic (1 of 4 stars; one submission).

Conditions:
Jeune thoracic dystrophy. Also called: Jeune syndrome; Infantile thoracic dystrophy; Thoracic pelvic phalangeal dystrophy; Jeune's syndrome; Chondroectodermal dysplasia-like syndrome; Short-rib thoracic dysplasia. Identifiers: Orphanet 474, MedGen C0265275, MONDO:0018770.

Submission:

Labcorp Genetics (formerly Invitae), Labcorp
Classification: Pathogenic for Jeune thoracic dystrophy. Last evaluated: 2024-04-11. Review status: criteria provided, single submitter. Criteria: Invitae Variant Classification Sherloc (09022015). Collection method: clinical testing. Allele origin: germline.
Comment: This sequence change creates a premature translational stop signal (p.Ala655Glnfs*9) in the DYNC2H1 gene. It is expected to result in an absent or disrupted protein product. Loss-of-function variants in DYNC2H1 are known to be pathogenic (PMID: 23339108, 32753734, 33755199). This variant is not present in population databases (gnomAD no frequency). This variant has not been reported in the literature in individuals affected with DYNC2H1-related conditions. For these reasons, this variant has been classified as Pathogenic.

Literature cited by the submitters: PubMed 23339108; PubMed 32753734; PubMed 33755199.